The following is an entry in ClinVar:

ClinVar aggregate classification (germline): Likely pathogenic (1 of 4 stars; one submission).

Submission:

GeneDx
Classification: Likely pathogenic. Last evaluated: 2016-03-04. Review status: criteria provided, single submitter. Criteria: GeneDx Variant Classification (06012015). Collection method: clinical testing. Allele origin: germline. Affected: yes.
Comment: In addition, this variant was not observed in approximately 6,000 individuals of European and African American ancestry in the NHLBI Exome Sequencing Project, indicating it is not a common benign variant in these populations. The A2317E variant is a non-conservative amino acid substitution, which is likely to impact secondary protein structure as these residues differ in polarity, charge, size and/or other properties. Moreover, this substitution occurs at a position that is conserved across species. Consequently, in silico analysis predicts this variant is probably damaging to the protein structure/function. Furthermore, the A2317E variant is located in one of the three hot-spot regions of the RYR2 gene, where the majority of pathogenic missense variants occur (Medeiros-Domingo et al., 2009).Therefore, this variant is likely pathogenic

NM_001035.3(RYR2):c.6950C>A (p.Ala2317Glu)

Gene: RYR2 (ryanodine receptor 2; plus strand). Cytogenetic location: 1q43.
Variant type: single nucleotide variant.
Coding change: c.6950C>A on transcript NM_001035.3 (MANE Select); coding-DNA position 6950, C replaced by A.
Protein change: p.Ala2317Glu; replaces alanine 2317 with glutamic acid.
Molecular consequence: missense variant.
Genome position (GRCh38, 1-based): chr1:237,639,036, C>A. VCF-style: chr1-237639036-C-A. GRCh37 (hg19) VCF-style: chr1-237802336-C-A.
Other names: p.A2317E:GCA>GAA; c.6950C>A, p.Ala2317Glu (LRG_402t1); short protein forms A2317E.
Identifiers: ClinVar variation 201272 (VCV000201272.2), dbSNP rs794728750, ClinGen allele CA010438.
Genomic context (GRCh38, chr1:237,639,036, plus strand): 5'-AATCATATTTGTTTACTTATCTTCCCCATTCTACTTTAGGGGAGAGTGTGGAGGAAAATG[C>A]AAATGTCGTGGTGAGATTGCTCATTCGGAGGCCTGAGTGTTTTGGTCCTGCTTTGAGAGG-3'
Protein context (NP_001026.2, residues 2307-2327): FCNGESVEEN[Ala2317Glu]NVVVRLLIRR